The following is an entry in ClinVar:

ClinVar aggregate classification (germline): Conflicting classifications of pathogenicity. Review status: criteria provided, conflicting classifications (1 of 4 stars). 7 submissions from 7 submitters: Uncertain significance (6); Benign (1). Last evaluated 2025-12-22.

Conditions:
Primary ciliary dyskinesia. Also called: Ciliary dyskinesia. Identifiers: Orphanet 244, MedGen C0008780, MONDO:0016575, HP:0012265.
Primary ciliary dyskinesia 7. Also called: CILIARY DYSKINESIA, PRIMARY, 7, WITH OR WITHOUT SITUS INVERSUS. Identifiers: Orphanet 244, MedGen C2678473, MONDO:0012748, OMIM 611884.

Allele frequency attached by ClinVar (database versions not stated): gnomAD exomes 0.00007 and 0.00016; ExAC 0.00014; 1000 Genomes Project 0.00040; ESP Exome Variant Server 0.00051; 1000 Genomes Project 30x 0.00062; TOPMed 0.00085.
gnomAD v4.1: 205 of 1,609,802 alleles (0.013%); highest among the groups gnomAD compares: African/African-American, 0.24%; no homozygotes.

Submissions (7):

Labcorp Genetics (formerly Invitae), Labcorp
Classification: Benign for Primary ciliary dyskinesia. Last evaluated: 2025-12-22. Review status: criteria provided, single submitter. Criteria: Invitae Variant Classification Sherloc (09022015). Collection method: clinical testing. Allele origin: germline.

Blueprint Genetics
Classification: Uncertain significance. Last evaluated: 2024-08-28. Review status: criteria provided, single submitter. Criteria: ACMG Guidelines, 2015. Collection method: clinical testing. Allele origin: germline.

New York Genome Center
Classification: Uncertain significance for Primary ciliary dyskinesia 7. Last evaluated: 2021-05-27. Review status: criteria provided, single submitter. Criteria: NYGC Assertion Criteria 2020. Collection method: clinical testing. Allele origin: inherited. Observed: 1 heterozygote. Study: CSER-NYCKidSeq.
Comment: The inherited heterozygous c.2038G>A (p.Asp680Asn) missense variant identified in the DNAH11 gene has not been reported in affected individuals in the literature. The variant has 0.0007167 allele frequency in the gnomAD(v3) database (109 out of 152078 heterozygous alleles, no homozygotes) suggesting it is not a common benign variant in the populations represented in that database. In silico tools provide conflicting predictions about potentialpathogenicity of this variant (CADD score = 21.3, REVEL score = 0.066). Based on the available evidence, the inherited heterozygous c.2038G>A(p.Asp680Asn) variant identified in the DNAH11 gene is reported as a variant of uncertain significance.

Revvity Omics, Revvity
Classification: Uncertain significance for Primary ciliary dyskinesia 7. Last evaluated: 2021-02-18. Review status: criteria provided, single submitter. Criteria: ACMG Guidelines, 2015. Collection method: clinical testing. Allele origin: germline.

Ambry Genetics
Classification: Uncertain significance for Primary ciliary dyskinesia. Last evaluated: 2018-09-10. Review status: criteria provided, single submitter. Criteria: Ambry Variant Classification Scheme 2023. Collection method: clinical testing. Allele origin: germline.
Comment: The p.D680N variant (also known as c.2038G>A), located in coding exon 12 of the DNAH11 gene, results from a G to A substitution at nucleotide position 2038. The aspartic acid at codon 680 is replaced by asparagine, an amino acid with highly similar properties. This amino acid position is not well conserved in available vertebrate species. In addition, this alteration is predicted to be tolerated by in silico analysis. Since supporting evidence is limited at this time, the clinical significance of this alteration remains unclear.

Baylor Genetics
Classification: Uncertain significance for Primary ciliary dyskinesia 7. Last evaluated: 2018-05-11. Review status: criteria provided, single submitter. Criteria: ACMG Guidelines, 2015. Collection method: clinical testing. Allele origin: maternal. Affected: yes.
Comment: This variant was determined to be of uncertain significance according to ACMG Guidelines, 2015 [PMID:25741868].

Eurofins Ntd Llc (ga)
Classification: Uncertain significance. Last evaluated: 2018-01-23. Review status: criteria provided, single submitter. Criteria: EGL Classification Definitions 2015. Collection method: clinical testing. Allele origin: germline. Observed: 1 variant allele, 1 heterozygote.

NM_001277115.2(DNAH11):c.2038G>A (p.Asp680Asn)

Gene: DNAH11 (dynein axonemal heavy chain 11; plus strand). Cytogenetic location: 7p15.3.
Variant type: single nucleotide variant.
Coding change: c.2038G>A on transcript NM_001277115.2 (MANE Select); coding-DNA position 2038, G replaced by A.
Protein change: p.Asp680Asn; replaces aspartic acid 680 with asparagine.
Molecular consequence: missense variant.
Genome position (GRCh38, 1-based): chr7:21,589,272, G>A. VCF-style: chr7-21589272-G-A. GRCh37 (hg19) VCF-style: chr7-21628890-G-A.
Other names: short protein forms D680N.
Identifiers: ClinVar variation 359608 (VCV000359608.23), dbSNP rs201121146, ClinGen allele CA4179201.